The following is an entry in ClinVar:

NM_004304.5(ALK):c.781C>T (p.Arg261Ter)

Gene: ALK (ALK receptor tyrosine kinase; minus strand). Cytogenetic location: 2p23.2.
Variant type: single nucleotide variant.
Coding change: c.781C>T on transcript NM_004304.5 (MANE Select); coding-DNA position 781, C replaced by T.
Protein change: p.Arg261Ter; replaces arginine 261 with a stop codon.
Molecular consequence: nonsense.
Genome position (GRCh38, 1-based): chr2:29,717,584, G>A on the plus strand (C>T on the coding strand, the complement: ALK is on the minus strand). VCF-style: chr2-29717584-G-A. GRCh37 (hg19) VCF-style: chr2-29940450-G-A.
Other names: short protein forms R261*.
Identifiers: ClinVar variation 470900 (VCV000470900.8), dbSNP rs972790555, ClinGen allele CA44979597.

ClinVar aggregate classification (germline): Conflicting classifications of pathogenicity. Review status: criteria provided, conflicting classifications (1 of 4 stars). 3 submissions from 3 submitters: Uncertain significance (2); Likely benign (1). Last evaluated 2025-11-09.

Conditions:
ALK-related disorder. Also called: ALK-related condition.
Hereditary cancer-predisposing syndrome. Also called: Hereditary neoplastic syndrome; Neoplastic Syndromes, Hereditary; Tumor predisposition; Hereditary Cancer Syndrome. Identifiers: Orphanet 140162, MedGen C0027672, MeSH D009386, MONDO:0015356.
Neuroblastoma, susceptibility to, 3. Also called: ALK-Related Neuroblastic Tumor Susceptibility. Identifiers: Orphanet 635, MedGen C2751681, MONDO:0013083, OMIM 613014.

Allele frequency attached by ClinVar (database versions not stated): gnomAD exomes below 0.00001.

Submissions (3):

Labcorp Genetics (formerly Invitae), Labcorp
Classification: Uncertain significance for Neuroblastoma, susceptibility to, 3. Last evaluated: 2025-11-09. Review status: criteria provided, single submitter. Criteria: Invitae Variant Classification Sherloc (09022015). Collection method: clinical testing. Allele origin: germline.
Comment: This sequence change creates a premature translational stop signal (p.Arg261*) in the ALK gene. It is expected to result in an absent or disrupted protein product. However, the current clinical and genetic evidence is not sufficient to establish whether loss-of-function variants in ALK cause disease. The frequency data for this variant in the population databases is considered unreliable, as metrics indicate poor data quality at this position in the gnomAD database. This variant has not been reported in the literature in individuals affected with ALK-related conditions. ClinVar contains an entry for this variant (Variation ID: 470900). In summary, the available evidence is currently insufficient to determine the role of this variant in disease. Therefore, it has been classified as a Variant of Uncertain Significance.

Ambry Genetics
Classification: Likely benign for Hereditary cancer-predisposing syndrome. Last evaluated: 2025-06-13. Review status: criteria provided, single submitter. Criteria: Ambry Variant Classification Scheme 2023. Collection method: clinical testing. Allele origin: germline.

PreventionGenetics, part of Exact Sciences
Classification: Uncertain significance for ALK-related condition. Last evaluated: 2022-09-29. Review status: criteria provided, single submitter. Criteria: ACMG Guidelines, 2015. Collection method: clinical testing. Allele origin: germline.
Comment: The ALK c.781C>T variant is predicted to result in premature protein termination (p.Arg261*). To our knowledge, this variant has not been reported in the literature. This variant is reported in 0.00088% of alleles in individuals of European (Non-Finnish) descent in gnomAD. At this time, the clinical significance of this variant is uncertain due to the absence of conclusive functional and genetic evidence.